The following is an entry in ClinVar:

NM_024422.6(DSC2):c.2259G>A (p.Ala753=)

Gene: DSC2 (desmocollin 2; minus strand). Cytogenetic location: 18q12.1.
Variant type: single nucleotide variant.
Coding change: c.2259G>A on transcript NM_024422.6 (MANE Select); coding-DNA position 2259, G replaced by A.
Protein change: p.Ala753=; no amino-acid change (alanine 753 retained).
Molecular consequence: synonymous variant.
Genome position (GRCh38, 1-based): chr18:31,069,143, C>T on the plus strand (G>A on the coding strand, the complement: DSC2 is on the minus strand). VCF-style: chr18-31069143-C-T. GRCh37 (hg19) VCF-style: chr18-28649109-C-T.
Other names: c.2259G>A, p.Ala753= (NM_004949.5).
Identifiers: ClinVar variation 382242 (VCV000382242.25), dbSNP rs201086521, ClinGen allele CA035948.

ClinVar aggregate classification (germline): Likely benign. Review status: criteria provided, multiple submitters, no conflicts (2 of 4 stars). 8 submissions from 8 submitters: Likely benign (8). Last evaluated 2025-11-18.

Conditions:
Cardiomyopathy (CMYO). Also called: Cardiomyopathies. Identifiers: Orphanet 167848, MedGen C0878544, MONDO:0004994, HP:0001638. Inheritance: Various modes of inheritance.
Arrhythmogenic right ventricular dysplasia 11. Also called: Arrhythmogenic right ventricular dysplasia 11 with mild palmoplantar keratoderma and woolly hair; Arrhythmogenic Right Ventricular Dysplasia/Cardiomyopathy11; ARRHYTHMOGENIC RIGHT VENTRICULAR DYSPLASIA, FAMILIAL, 11. Identifiers: MedGen C1864850, MONDO:0012506, OMIM 610476.
Cardiovascular phenotype. Identifiers: MedGen CN230736.
Familial isolated arrhythmogenic right ventricular dysplasia. Identifiers: Orphanet 217656, MedGen C4274968, MONDO:0016342.

Allele frequency attached by ClinVar (database versions not stated): ExAC 0.00002; gnomAD exomes 0.00003; gnomAD 0.00005 and 0.00006; TOPMed 0.00005; 1000 Genomes Project 30x 0.00016; 1000 Genomes Project 0.00020.
gnomAD v4.1: 51 of 1,613,988 alleles (0.0032%); highest among the groups gnomAD compares: Admixed American, 0.027%; no homozygotes.

Submissions (8):

Labcorp Genetics (formerly Invitae), Labcorp
Classification: Likely benign for Arrhythmogenic right ventricular dysplasia 11. Last evaluated: 2025-11-18. Review status: criteria provided, single submitter. Criteria: Invitae Variant Classification Sherloc (09022015). Collection method: clinical testing. Allele origin: germline.

CeGaT Center for Human Genetics Tuebingen
Classification: Likely benign. Last evaluated: 2025-11-01. Review status: criteria provided, single submitter. Criteria: CeGaT Center For Human Genetics Tuebingen Variant Classification Criteria Version 2. Collection method: clinical testing. Allele origin: germline. Affected: yes. Observed: 1 variant allele.
Comment: DSC2: BP4, BP7

Molecular Diagnostic Laboratory for Inherited Cardiovascular Disease, Montreal Heart Institute
Classification: Likely benign. Last evaluated: 2025-04-09. Review status: criteria provided, single submitter. Criteria: ACMG Guidelines, 2015. Collection method: clinical testing. Allele origin: germline. Affected: no.

All of Us Research Program, National Institutes of Health
Classification: Likely benign for Familial isolated arrhythmogenic right ventricular dysplasia. Last evaluated: 2023-12-18. Review status: criteria provided, single submitter. Criteria: ACMG Guidelines, 2015. Collection method: clinical testing. Allele origin: germline. Inheritance: Autosomal dominant inheritance. Observed: 15 variant alleles, 15 heterozygotes.
Comment: This study involves interpretation of variants in research participants for the purpose of population health screening. Participant phenotype was not available at the time of variant classification. Additional details can be found in publication PMID: 35346344, PMCID: PMC8962531

Ambry Genetics
Classification: Likely benign for Cardiovascular phenotype. Last evaluated: 2019-10-31. Review status: criteria provided, single submitter. Criteria: Ambry Variant Classification Scheme 2023. Collection method: clinical testing. Allele origin: germline.

Color Diagnostics, LLC DBA Color Health
Classification: Likely benign for Cardiomyopathy. Last evaluated: 2018-12-31. Review status: criteria provided, single submitter. Criteria: ACMG Guidelines, 2015. Collection method: clinical testing. Allele origin: germline.

CHEO Genetics Diagnostic Laboratory, Children's Hospital of Eastern Ontario
Classification: Likely benign for Cardiomyopathy. Last evaluated: 2018-04-11. Review status: criteria provided, single submitter. Criteria: ACMG Guidelines, 2015. Collection method: clinical testing. Allele origin: germline.

GeneDx
Classification: Likely benign. Last evaluated: 2015-12-14. Review status: criteria provided, single submitter. Criteria: GeneDx Variant Classification (06012015). Collection method: clinical testing. Allele origin: germline. Affected: yes.
Comment: This variant is considered likely benign or benign based on one or more of the following criteria: it is a conservative change, it occurs at a poorly conserved position in the protein, it is predicted to be benign by multiple in silico algorithms, and/or has population frequency not consistent with disease.